The following is an entry in ClinVar:

NM_007194.4(CHEK2):c.1497G>C (p.Leu499=)

Gene: CHEK2 (checkpoint kinase 2; minus strand). Cytogenetic location: 22q12.1.
Variant type: single nucleotide variant.
Coding change: c.1497G>C on transcript NM_007194.4 (MANE Select); coding-DNA position 1497, G replaced by C.
Protein change: p.Leu499=; no amino-acid change (leucine 499 retained).
Molecular consequence: synonymous variant.
Genome position (GRCh38, 1-based): chr22:28,689,180, C>G on the plus strand (G>C on the coding strand, the complement: CHEK2 is on the minus strand). VCF-style: chr22-28689180-C-G. GRCh37 (hg19) VCF-style: chr22-29085168-C-G.
Other names: p.L499L:CTG>CTC; p.Leu499=; c.1626G>C, p.Leu542= (NM_001005735.3); c.834G>C, p.Leu278= (NM_001257387.3); c.1296G>C, p.Leu432= (NM_001349956.3); c.1410G>C, p.Leu470= (NM_145862.3).
Identifiers: ClinVar variation 136745 (VCV000136745.70), dbSNP rs587780890, ClinGen allele CA290071.
Genomic context (GRCh38, chr22:28,689,180, plus strand): 5'-CAGGAATACGAATACCTGGGCTAGAACCTGGGGTAGAGCTGTGGATTCATTTTCCTCAGA[C>G]AGAAGATCTTGAAACTTTCTCTTCATGTCTTCATCCTGTGAGGGAATTAAAAACATAAGT-3'
Protein context (NP_009125.1, residues 489-509): EDMKRKFQDL[Leu499=]SEENESTALP

ClinVar aggregate classification (germline): Benign/Likely benign. Review status: criteria provided, multiple submitters, no conflicts (2 of 4 stars). 21 submissions from 21 submitters: Benign (2); Likely benign (14). 5 of the submissions do not count toward it. Last evaluated 2026-01-26.

Conditions:
Hereditary cancer-predisposing syndrome. Also called: Tumor predisposition; Hereditary neoplastic syndrome; Hereditary Cancer Syndrome; Neoplastic Syndromes, Hereditary. Identifiers: Orphanet 140162, MedGen C0027672, MeSH D009386, MONDO:0015356.
CHEK2-related cancer predisposition (TPDS4). Also called: TUMOR PREDISPOSITION SYNDROME 4; CANCER PREDISPOSITION SYNDROME, CHEK2-RELATED; CHEK2-related cancer susceptibility. Identifiers: Orphanet 524, MedGen C5882668, MONDO:0700271, OMIM 609265.
Familial cancer of breast. Also called: Hereditary breast cancer; hereditary breast carcinoma; BREAST CANCER, FAMILIAL. Identifiers: Orphanet 227535, MedGen C0346153, MONDO:0016419, OMIM 114480. Disease mechanism: loss of function.

Allele frequency attached by ClinVar (database versions not stated): ExAC 0.00004; gnomAD exomes 0.00005; gnomAD 0.00014 and 0.00032.

Submissions (21):

Labcorp Genetics (formerly Invitae), Labcorp
Classification: Likely benign for Familial cancer of breast. Last evaluated: 2026-01-26. Review status: criteria provided, single submitter. Criteria: Invitae Variant Classification Sherloc (09022015). Collection method: clinical testing. Allele origin: germline.

CeGaT Center for Human Genetics Tuebingen
Classification: Likely benign. Last evaluated: 2025-05-01. Review status: criteria provided, single submitter. Criteria: CeGaT Center For Human Genetics Tuebingen Variant Classification Criteria Version 2. Collection method: clinical testing. Allele origin: germline. Affected: yes. Observed: 2 variant alleles.
Comment: CHEK2: BP4, BP7

Mayo Clinic Laboratories, Mayo Clinic
Classification: Likely benign. Last evaluated: 2025-02-21. Review status: criteria provided, single submitter. Criteria: ACMG Guidelines, 2015. Collection method: clinical testing. Allele origin: germline. Observed: 1 variant allele.
Comment: BP4, BP7

Department of Pathology and Laboratory Medicine, Sinai Health System
Classification: Likely benign for CHEK2-related cancer predisposition. Last evaluated: 2024-09-24. Review status: criteria provided, single submitter. Criteria: ACMG Guidelines, 2015. Collection method: clinical testing. Allele origin: germline. Affected: yes.

Institute for Biomarker Research, Medical Diagnostic Laboratories, L.L.C.
Classification: Likely benign for Hereditary cancer-predisposing syndrome. Last evaluated: 2023-11-21. Review status: criteria provided, single submitter. Criteria: ACMG Guidelines, 2015. Collection method: clinical testing. Allele origin: germline.

Blueprint Genetics
Classification: Likely benign. Last evaluated: 2023-07-18. Review status: criteria provided, single submitter. Criteria: ACMG Guidelines, 2015. Collection method: clinical testing. Allele origin: germline.

Myriad Genetics, Inc.
Classification: Benign for Familial cancer of breast. Last evaluated: 2023-04-26. Review status: criteria provided, single submitter. Criteria: Myriad Autosomal Dominant, Autosomal Recessive and X-Linked Classification Criteria (2023). Collection method: clinical testing. Allele origin: unknown.
Comment: This variant is considered benign. This variant is a silent/synonymous amino acid change and it is not expected to impact splicing.

Women's Health and Genetics/Laboratory Corporation of America, LabCorp
Classification: Likely benign. Last evaluated: 2022-10-09. Review status: criteria provided, single submitter. Criteria: LabCorp Variant Classification Summary - May 2015. Collection method: clinical testing. Allele origin: germline.

Quest Diagnostics Nichols Institute San Juan Capistrano
Classification: Likely benign. Last evaluated: 2022-08-23. Review status: criteria provided, single submitter. Criteria: Quest Diagnostics criteria. Collection method: clinical testing. Allele origin: unknown.

Genetic Services Laboratory, University of Chicago
Classification: Likely benign. Last evaluated: 2021-11-29. Review status: criteria provided, single submitter. Criteria: ACMG Guidelines, 2015. Collection method: clinical testing. Allele origin: germline. Affected: no.

Sema4
Classification: Likely benign for Hereditary cancer-predisposing syndrome. Last evaluated: 2020-11-10. Review status: criteria provided, single submitter. Criteria: Sema4 Curation Guidelines. Collection method: curation. Allele origin: germline.

PreventionGenetics, part of Exact Sciences
Classification: Likely benign. Last evaluated: 2018-01-19. Review status: criteria provided, single submitter. Criteria: ACMG Guidelines, 2015. Collection method: clinical testing. Allele origin: germline.

Color Diagnostics, LLC DBA Color Health
Classification: Likely benign for Hereditary cancer-predisposing syndrome. Last evaluated: 2015-02-11. Review status: criteria provided, single submitter. Criteria: ACMG Guidelines, 2015. Collection method: clinical testing. Allele origin: germline.

Ambry Genetics
Classification: Likely benign for Hereditary cancer-predisposing syndrome. Last evaluated: 2014-06-23. Review status: criteria provided, single submitter. Criteria: Ambry Variant Classification Scheme 2023. Collection method: clinical testing. Allele origin: germline.

GeneDx
Classification: Benign. Last evaluated: 2013-10-28. Review status: criteria provided, single submitter. Criteria: GeneDx Variant Classification (06012015). Collection method: clinical testing. Allele origin: germline. Affected: yes.
Comment: This variant is considered likely benign or benign based on one or more of the following criteria: it is a conservative change, it occurs at a poorly conserved position in the protein, it is predicted to be benign by multiple in silico algorithms, and/or has population frequency not consistent with disease.

Breakthrough Genomics
Classification: Likely benign. Review status: criteria provided, single submitter. Criteria: ACMG Guidelines, 2015. Collection method: not provided. Allele origin: germline. Inheritance: Autosomal dominant inheritance. Affected: yes.

Counsyl
Classification: Likely benign for Familial cancer of breast. Last evaluated: 2016-08-10. Review status: no assertion criteria provided. Collection method: clinical testing. Allele origin: unknown. Not counted in ClinVar's aggregate classification.

Clinical Genetics Laboratory, Department of Pathology, Netherlands Cancer Institute
Classification: Benign. Review status: no assertion criteria provided. Collection method: clinical testing. Allele origin: germline. Affected: yes. Study: VKGL Data-share Consensus. Not counted in ClinVar's aggregate classification.

Genome Diagnostics Laboratory, Amsterdam University Medical Center
Classification: Likely benign. Review status: no assertion criteria provided. Collection method: clinical testing. Allele origin: germline. Affected: yes. Study: VKGL Data-share Consensus. Not counted in ClinVar's aggregate classification.

Joint Genome Diagnostic Labs from Nijmegen and Maastricht, Radboudumc and MUMC+
Classification: Likely benign. Review status: no assertion criteria provided. Collection method: clinical testing. Allele origin: germline. Affected: yes. Study: VKGL Data-share Consensus. Not counted in ClinVar's aggregate classification.

Laboratory of Diagnostic Genome Analysis, Leiden University Medical Center (LUMC)
Classification: Likely benign. Review status: no assertion criteria provided. Collection method: clinical testing. Allele origin: germline. Affected: yes. Study: VKGL Data-share Consensus. Not counted in ClinVar's aggregate classification.